The following is an entry in ClinVar:

NM_003002.4(SDHD):c.409G>C (p.Ala137Pro)

Gene: SDHD (succinate dehydrogenase complex subunit D; plus strand). Cytogenetic location: 11q23.1.
Variant type: single nucleotide variant.
Coding change: c.409G>C on transcript NM_003002.4 (MANE Select); coding-DNA position 409, G replaced by C.
Protein change: p.Ala137Pro; replaces alanine 137 with proline.
Molecular consequence: missense variant. On other transcripts: 3 prime UTR variant (2), non-coding transcript variant (1).
Genome position (GRCh38, 1-based): chr11:112,094,899, G>C. VCF-style: chr11-112094899-G-C. GRCh37 (hg19) VCF-style: chr11-111965623-G-C.
Other names: c.*6G>C (NM_001276503.2); c.292G>C, p.Ala98Pro (NM_001276504.2); c.*107G>C (NM_001276506.2); short protein forms A137P, A98P.
Identifiers: ClinVar variation 533790 (VCV000533790.6), dbSNP rs1555187611, ClinGen allele CA382619263.

ClinVar aggregate classification (germline): Uncertain significance (1 of 4 stars; one submission).

Conditions:
Pheochromocytoma. Also called: MAX-Related Hereditary Paraganglioma-Pheochromocytoma Syndrome. Identifiers: Orphanet 29072, MedGen C0031511, MONDO:0008233, OMIM 171300, HP:0002666.
Cowden syndrome 3 (CWS3). Identifiers: Orphanet 201, MedGen CN166604, MONDO:0014045.
Carney-Stratakis syndrome. Also called: PARAGANGLIOMA AND GASTROINTESTINAL STROMAL TUMOR. Identifiers: Orphanet 97286, MedGen C1847319, MONDO:0011740, OMIM 606864.
Paragangliomas with sensorineural hearing loss. Identifiers: MedGen C1868633.

Allele frequency attached by ClinVar (database versions not stated): gnomAD exomes below 0.00001.

Submission:

Labcorp Genetics (formerly Invitae), Labcorp
Classification: Uncertain significance for Carney-Stratakis syndrome; Paragangliomas with sensorineural hearing loss; Pheochromocytoma; Cowden syndrome 3. Last evaluated: 2025-11-10. Review status: criteria provided, single submitter. Criteria: Invitae Variant Classification Sherloc (09022015). Collection method: clinical testing. Allele origin: germline.
Comment: This sequence change replaces alanine, which is neutral and non-polar, with proline, which is neutral and non-polar, at codon 137 of the SDHD protein (p.Ala137Pro). This variant is not present in population databases (gnomAD no frequency). This variant has not been reported in the literature in individuals affected with SDHD-related conditions. ClinVar contains an entry for this variant (Variation ID: 533790). Invitae Evidence Modeling of protein sequence and biophysical properties (such as structural, functional, and spatial information, amino acid conservation, physicochemical variation, residue mobility, and thermodynamic stability) indicates that this missense variant is expected to disrupt SDHD protein function with a positive predictive value of 95%. In summary, the available evidence is currently insufficient to determine the role of this variant in disease. Therefore, it has been classified as a Variant of Uncertain Significance.